The following is an entry in ClinVar:

ClinVar aggregate classification (germline): Uncertain significance. Review status: criteria provided, multiple submitters, no conflicts (2 of 4 stars). 3 submissions from 3 submitters: Uncertain significance (3). Last evaluated 2026-03-26.

Conditions:
TTN-related disorder. Also called: TTN-related disorders; TTN-related condition; TTN-related disease.
Cardiovascular phenotype. Identifiers: MedGen CN230736.

Allele frequency attached by ClinVar (database versions not stated): ExAC 0.00001; gnomAD exomes 0.00001; TOPMed 0.00003; gnomAD 0.00007.
gnomAD v4.1: 19 of 1,613,278 alleles (0.0012%); highest among the groups gnomAD compares: African/African-American, 0.02%; no homozygotes.

Submissions (3):

PreventionGenetics, part of Exact Sciences
Classification: Uncertain significance for TTN-related condition. Last evaluated: 2026-03-26. Review status: criteria provided, single submitter. Criteria: ACMG Guidelines, 2015. Collection method: clinical testing. Allele origin: germline.
Comment: The TTN c.64535A>T variant is predicted to result in the amino acid substitution p.His21512Leu. To our knowledge, this variant has not been reported in the literature. This variant is reported in 0.021% of alleles in individuals of African descent in gnomAD. At this time, the clinical significance of this variant is uncertain due to the absence of conclusive functional and genetic evidence.

Revvity Omics, Revvity
Classification: Uncertain significance. Last evaluated: 2021-04-07. Review status: criteria provided, single submitter. Criteria: ACMG Guidelines, 2015. Collection method: clinical testing. Allele origin: germline.

Ambry Genetics
Classification: Uncertain significance for Cardiovascular phenotype. Last evaluated: 2020-03-06. Review status: criteria provided, single submitter. Criteria: Ambry Variant Classification Scheme 2023. Collection method: clinical testing. Allele origin: germline.
Comment: The p.H12447L variant (also known as c.37340A>T), located in coding exon 136 of the TTN gene, results from an A to T substitution at nucleotide position 37340. The histidine at codon 12447 is replaced by leucine, an amino acid with similar properties. This amino acid position is not well conserved in available vertebrate species. In addition, this alteration is predicted to be tolerated by in silico analysis. Since supporting evidence is limited at this time, the clinical significance of this alteration remains unclear.

NM_001267550.2(TTN):c.64535A>T (p.His21512Leu)

Genes: TTN (titin; minus strand), TTN-AS1 (TTN antisense RNA 1; plus strand). Cytogenetic location: 2q31.2.
Variant type: single nucleotide variant.
Coding change: c.64535A>T on transcript NM_001267550.2 (MANE Select); coding-DNA position 64535, A replaced by T.
Protein change: p.His21512Leu; replaces histidine 21512 with leucine.
Molecular consequence: missense variant.
Genome position (GRCh38, 1-based): chr2:178,585,209, T>A on the plus strand (A>T on the coding strand, the complement: TTN is on the minus strand). VCF-style: chr2-178585209-T-A. GRCh37 (hg19) VCF-style: chr2-179449936-T-A.
Other names: c.59612A>T, p.His19871Leu (NM_001256850.1); c.37340A>T, p.His12447Leu (NM_003319.4); c.56831A>T, p.His18944Leu (NM_133378.4); c.37715A>T, p.His12572Leu (NM_133432.3); c.37916A>T, p.His12639Leu (NM_133437.4); short protein forms H12572L, H19871L, H12639L, H21512L, H12447L, H18944L.
Identifiers: ClinVar variation 1734410 (VCV001734410.7), dbSNP rs774754081, ClinGen allele CA1991889.